The following is an entry in ClinVar:

NM_015021.3(ZNF292):c.4981A>G (p.Ser1661Gly)

Gene: ZNF292 (zinc finger protein 292; plus strand). Cytogenetic location: 6q14.3.
Variant type: single nucleotide variant.
Coding change: c.4981A>G on transcript NM_015021.3 (MANE Select); coding-DNA position 4981, A replaced by G.
Protein change: p.Ser1661Gly; replaces serine 1661 with glycine.
Molecular consequence: missense variant.
Genome position (GRCh38, 1-based): chr6:87,258,610, A>G. VCF-style: chr6-87258610-A-G. GRCh37 (hg19) VCF-style: chr6-87968328-A-G.
Other names: c.4561A>G, p.Ser1521Gly (NM_001351444.2); short protein forms S1521G, S1661G.
Identifiers: ClinVar variation 2378404 (VCV002378404.6), dbSNP rs200495721, ClinGen allele CA3914410.

ClinVar aggregate classification (germline): Likely benign. Review status: criteria provided, multiple submitters, no conflicts (2 of 4 stars). 2 submissions from 2 submitters: Likely benign (2). Last evaluated 2026-03-01.

Conditions:
Inborn genetic diseases. Identifiers: MedGen C0950123, MeSH D030342.

Allele frequency attached by ClinVar (database versions not stated): ExAC 0.00006; TOPMed 0.00011; gnomAD 0.00013; ESP Exome Variant Server 0.00017; 1000 Genomes Project 30x 0.00031; 1000 Genomes Project 0.00040.
gnomAD v4.1: 171 of 1,613,710 alleles (0.011%); highest among the groups gnomAD compares: Non-Finnish European, 0.014%; no homozygotes.

Submissions (2):

CeGaT Center for Human Genetics Tuebingen
Classification: Likely benign. Last evaluated: 2026-03-01. Review status: criteria provided, single submitter. Criteria: CeGaT Center For Human Genetics Tuebingen Variant Classification Criteria Version 2. Collection method: clinical testing. Allele origin: germline. Affected: yes. Observed: 1 variant allele.
Comment: ZNF292: BP4, BS2

Ambry Genetics
Classification: Likely benign for Inborn genetic diseases. Last evaluated: 2022-12-13. Review status: criteria provided, single submitter. Criteria: Ambry Variant Classification Scheme 2023. Collection method: clinical testing. Allele origin: germline.